The following is an entry in ClinVar:

ClinVar aggregate classification (germline): Benign/Likely benign. Review status: criteria provided, single submitter (1 of 4 stars). 3 submissions from 1 submitter: Benign (2); Likely benign (1). Last evaluated 2018-01-13.

Conditions:
Ectrodactyly, ectodermal dysplasia, and cleft lip-palate syndrome 3. Also called: Ectrodactyly, Ectodermal Dysplasia, Clefting Syndrome; EEC SYNDROME 3; Ectrodactyly, Ectodermal Dysplasia, Clefting Syndrome Type 3 (EEC3); Ectrodactyly, Ectodermal Dysplasia, Cleft Lip/Palate Syndrome 3 (EEC3). Identifiers: Orphanet 1896, MedGen C1858562, MONDO:0011428, OMIM 604292.
Orofacial cleft 8. Also called: Cleft lip with or without cleft palate, nonsyndromic, 8. Identifiers: MedGen C1851878, MONDO:0029145, OMIM 618149.
TP63-Related Spectrum Disorders.

Allele frequency attached by ClinVar (database versions not stated): gnomAD exomes 0.00024; gnomAD 0.00026 and 0.00036; TOPMed 0.00037; 1000 Genomes Project 0.00200; 1000 Genomes Project 30x 0.00219.
gnomAD v4.1: 75 of 223,442 alleles (0.034%); highest among the groups gnomAD compares: East Asian, 0.45%; no homozygotes.

Submissions (3):

Illumina Laboratory Services, Illumina
Classification: Benign for Ectrodactyly, ectodermal dysplasia, and cleft lip-palate syndrome 3. Last evaluated: 2018-01-13. Review status: criteria provided, single submitter. Criteria: ICSL Variant Classification Criteria 13 December 2019. Collection method: clinical testing. Allele origin: germline.
Comment: This variant was observed in the ICSL laboratory as part of a predisposition screen in an ostensibly healthy population. It had not been previously curated by ICSL or reported in the Human Gene Mutation Database (HGMD: prior to June 1st, 2018), and was therefore a candidate for classification through an automated scoring system. Utilizing variant allele frequency, disease prevalence and penetrance estimates, and inheritance mode, an automated score was calculated to assess if this variant is too frequent to cause the disease. Based on the score and internal cut-off values, a variant classified as benign is not then subjected to further curation. The score for this variant resulted in a classification of benign for this disease.

Illumina Laboratory Services, Illumina
Classification: Benign for TP63-Related Spectrum Disorders. Last evaluated: 2018-01-13. Review status: criteria provided, single submitter. Criteria: ICSL Variant Classification Criteria 13 December 2019. Collection method: clinical testing. Allele origin: germline.
Comment: the same text as in the submission from Illumina Laboratory Services, Illumina above.

Illumina Laboratory Services, Illumina
Classification: Likely benign for Orofacial cleft 8. Last evaluated: 2018-01-13. Review status: criteria provided, single submitter. Criteria: ICSL Variant Classification Criteria 13 December 2019. Collection method: clinical testing. Allele origin: germline.
Comment: This variant was observed in the ICSL laboratory as part of a predisposition screen in an ostensibly healthy population. It had not been previously curated by ICSL or reported in the Human Gene Mutation Database (HGMD: prior to June 1st, 2018), and was therefore a candidate for classification through an automated scoring system. Utilizing variant allele frequency, disease prevalence and penetrance estimates, and inheritance mode, an automated score was calculated to assess if this variant is too frequent to cause the disease. Based on the score and internal cut-off values, a variant classified as likely benign is not then subjected to further curation. The score for this variant resulted in a classification of likely benign for this disease.

NM_003722.5(TP63):c.*2625A>T

Gene: TP63 (tumor protein p63; plus strand). Cytogenetic location: 3q28.
Variant type: single nucleotide variant.
Coding change: c.*2625A>T on transcript NM_003722.5 (MANE Select); 2625 bases downstream of the stop codon, A replaced by T.
Molecular consequence: 3 prime UTR variant.
Genome position (GRCh38, 1-based): chr3:189,897,127, A>T. VCF-style: chr3-189897127-A-T. GRCh37 (hg19) VCF-style: chr3-189614916-A-T.
Other names: c.*2906A>T (NM_001114978.2, NM_001114981.2); c.*2625A>T (NM_001114980.2, NM_001329146.2, NM_001329148.2 and 1 more transcripts); c.*2896A>T (NM_001329144.2, NM_001329145.2, NM_001329149.2 and 1 more transcripts).
Identifiers: ClinVar variation 344436 (VCV000344436.6), dbSNP rs35694511, ClinGen allele CA10615424.
Genomic context (GRCh38, chr3:189,897,127, plus strand): 5'-CAAAATTAAGCAAATGTTAAAAGTTTTATATGCTTTATTAATGTTTTCAAAAGGTATTAT[A>T]CATGTGATACATTTTTTAAGCTTCAGTTGCTTGTCTTCTGGTACTTTCTGTTATGGGCTT-3'